The following is an entry in ClinVar:

ClinVar aggregate classification (germline): Uncertain significance (1 of 4 stars; one submission).

Conditions:
Fanconi anemia (FA). Also called: Fanconi's anemia. Identifiers: Orphanet 84, MedGen C0015625, MeSH D005199, MONDO:0019391.

Submission:

Labcorp Genetics (formerly Invitae), Labcorp
Classification: Uncertain significance for Fanconi anemia. Last evaluated: 2024-11-27. Review status: criteria provided, single submitter. Criteria: Invitae Variant Classification Sherloc (09022015). Collection method: clinical testing. Allele origin: germline.
Comment: This sequence change replaces proline, which is neutral and non-polar, with alanine, which is neutral and non-polar, at codon 602 of the SLX4 protein (p.Pro602Ala). This variant is not present in population databases (gnomAD no frequency). This variant has not been reported in the literature in individuals affected with SLX4-related conditions. An algorithm developed to predict the effect of missense changes on protein structure and function (PolyPhen-2) suggests that this variant is likely to be tolerated. In summary, the available evidence is currently insufficient to determine the role of this variant in disease. Therefore, it has been classified as a Variant of Uncertain Significance.

NM_032444.4(SLX4):c.1804C>G (p.Pro602Ala)

Gene: SLX4 (SLX4 structure-specific endonuclease subunit; minus strand). Cytogenetic location: 16p13.3.
Variant type: single nucleotide variant.
Coding change: c.1804C>G on transcript NM_032444.4 (MANE Select); coding-DNA position 1804, C replaced by G.
Protein change: p.Pro602Ala; replaces proline 602 with alanine.
Molecular consequence: missense variant.
Genome position (GRCh38, 1-based): chr16:3,596,273, G>C on the plus strand (C>G on the coding strand, the complement: SLX4 is on the minus strand). VCF-style: chr16-3596273-G-C. GRCh37 (hg19) VCF-style: chr16-3646274-G-C.
Other names: short protein forms P602A.
Identifiers: ClinVar variation 3637054 (VCV003637054.2).